The following is an entry in ClinVar:

NM_000051.4(ATM):c.5088T>G (p.Tyr1696Ter)

Gene: ATM (ATM serine/threonine kinase; plus strand). Cytogenetic location: 11q22.3.
Variant type: single nucleotide variant.
Coding change: c.5088T>G on transcript NM_000051.4 (MANE Select); coding-DNA position 5088, T replaced by G.
Protein change: p.Tyr1696Ter; replaces tyrosine 1696 with a stop codon.
Molecular consequence: nonsense.
Genome position (GRCh38, 1-based): chr11:108,299,796, T>G. VCF-style: chr11-108299796-T-G. GRCh37 (hg19) VCF-style: chr11-108170523-T-G.
Other names: c.5088T>G, p.Tyr1696Ter (NM_001351834.2); short protein forms Y1696*.
Identifiers: ClinVar variation 1075568 (VCV001075568.7), dbSNP rs786203476, ClinGen allele CA382540668.

ClinVar aggregate classification (germline): Pathogenic (1 of 4 stars; one submission).

Conditions:
Ataxia-telangiectasia syndrome (AT). Also called: Cerebello-oculocutaneous telangiectasia; Immunodeficiency with ataxia telangiectasia; ATAXIA-TELANGIECTASIA, FRESNO VARIANT; Ataxia-telangiectasia, complementation group D; Ataxia telangiectasia (A-T); LOUIS-BAR SYNDROME. Identifiers: Orphanet 100, MedGen C0004135, MONDO:0008840, OMIM 208900.

Submission:

Labcorp Genetics (formerly Invitae), Labcorp
Classification: Pathogenic for Ataxia-telangiectasia syndrome. Last evaluated: 2020-03-09. Review status: criteria provided, single submitter. Criteria: Invitae Variant Classification Sherloc (09022015). Collection method: clinical testing. Allele origin: germline.
Comment: This sequence change creates a premature translational stop signal (p.Tyr1696*) in the ATM gene. It is expected to result in an absent or disrupted protein product. This variant is not present in population databases (ExAC no frequency). This variant has not been reported in the literature in individuals with ATM-related conditions. Loss-of-function variants in ATM are known to be pathogenic (PMID: 23807571, 25614872). For these reasons, this variant has been classified as Pathogenic.

Literature cited by the submitters: PubMed 23807571; PubMed 25614872.